The following is an entry in ClinVar:

NM_001025295.3(IFITM5):c.254A>G (p.Tyr85Cys)

Gene: IFITM5 (interferon induced transmembrane protein 5; minus strand). Cytogenetic location: 11p15.5.
Variant type: single nucleotide variant.
Coding change: c.254A>G on transcript NM_001025295.3 (MANE Select); coding-DNA position 254, A replaced by G.
Protein change: p.Tyr85Cys; replaces tyrosine 85 with cysteine.
Molecular consequence: missense variant.
Genome position (GRCh38, 1-based): chr11:298,646, T>C on the plus strand (A>G on the coding strand, the complement: IFITM5 is on the minus strand). VCF-style: chr11-298646-T-C. GRCh37 (hg19) VCF-style: chr11-298646-T-C.
Other names: c.254A>G (NM_001025295.1); short protein forms Y85C.
Identifiers: ClinVar variation 2158535 (VCV002158535.5), dbSNP rs914622748, ClinGen allele CA216903646.
Genomic context (GRCh38, chr11:298,646, plus strand): 5'-ACCACCAGCCCCAGGAGCAGCAGTGGCGGCACCAGCGTCCACATCGCGGCCAGGATGTTG[T>C]AGCACTTGGCTTTGGAGCCAAAACGCCGGGCCGCTTCCAGGTCACCAACCACCTTCTGAT-3'
Protein context (NP_001020466.1, residues 75-95): ARRFGSKAKC[Tyr85Cys]NILAAMWTLV

ClinVar aggregate classification (germline): Uncertain significance. Review status: criteria provided, multiple submitters, no conflicts (2 of 4 stars). 2 submissions from 2 submitters: Uncertain significance (2). Last evaluated 2025-04-17.

Conditions:
Inborn genetic diseases. Identifiers: MedGen C0950123, MeSH D030342.

Allele frequency attached by ClinVar (database versions not stated): gnomAD exomes below 0.00001; gnomAD 0.00005; TOPMed 0.00006.

Submissions (2):

Labcorp Genetics (formerly Invitae), Labcorp
Classification: Uncertain significance. Last evaluated: 2025-04-17. Review status: criteria provided, single submitter. Criteria: Invitae Variant Classification Sherloc (09022015). Collection method: clinical testing. Allele origin: germline.
Comment: This sequence change replaces tyrosine, which is neutral and polar, with cysteine, which is neutral and slightly polar, at codon 85 of the IFITM5 protein (p.Tyr85Cys). This variant is present in population databases (no rsID available, gnomAD 0.01%). This variant has not been reported in the literature in individuals affected with IFITM5-related conditions. ClinVar contains an entry for this variant (Variation ID: 2158535). An algorithm developed to predict the effect of missense changes on protein structure and function (PolyPhen-2) suggests that this variant is likely to be tolerated. In summary, the available evidence is currently insufficient to determine the role of this variant in disease. Therefore, it has been classified as a Variant of Uncertain Significance.

Ambry Genetics
Classification: Uncertain significance for Inborn genetic diseases. Last evaluated: 2023-09-26. Review status: criteria provided, single submitter. Criteria: Ambry Variant Classification Scheme 2023. Collection method: clinical testing. Allele origin: germline.